The following is an entry in ClinVar:

NM_014845.6(FIG4):c.2388A>G (p.Gln796=)

Gene: FIG4 (FIG4 phosphoinositide 5-phosphatase; plus strand). Cytogenetic location: 6q21.
Variant type: single nucleotide variant.
Coding change: c.2388A>G on transcript NM_014845.6 (MANE Select); coding-DNA position 2388, A replaced by G.
Protein change: p.Gln796=; no amino-acid change (glutamine 796 retained).
Molecular consequence: synonymous variant.
Genome position (GRCh38, 1-based): chr6:109,792,593, A>G. VCF-style: chr6-109792593-A-G. GRCh37 (hg19) VCF-style: chr6-110113796-A-G.
Identifiers: ClinVar variation 1084111 (VCV001084111.33), dbSNP rs1439788451, ClinGen allele CA451754552.

ClinVar aggregate classification (germline): Likely benign. Review status: criteria provided, multiple submitters, no conflicts (2 of 4 stars). 3 submissions from 3 submitters: Likely benign (3). Last evaluated 2025-09-19.

Conditions:
Charcot-Marie-Tooth disease type 4. Also called: Charcot-Marie-Tooth disease, type IV; Charcot-Marie-Tooth, Type 4. Identifiers: Orphanet 64749, MedGen C4082197, MONDO:0018995.

Allele frequency attached by ClinVar (database versions not stated): gnomAD exomes below 0.00001; TOPMed 0.00001; gnomAD 0.00002 and 0.00003.
gnomAD v4.1: 16 of 1,599,044 alleles (0.001%); highest among the groups gnomAD compares: Middle Eastern, 0.033%; no homozygotes.

Submissions (3):

Labcorp Genetics (formerly Invitae), Labcorp
Classification: Likely benign for Charcot-Marie-Tooth disease type 4. Last evaluated: 2025-09-19. Review status: criteria provided, single submitter. Criteria: Invitae Variant Classification Sherloc (09022015). Collection method: clinical testing. Allele origin: germline.

Blueprint Genetics
Classification: Likely benign. Last evaluated: 2024-01-08. Review status: criteria provided, single submitter. Criteria: ACMG Guidelines, 2015. Collection method: clinical testing. Allele origin: germline.

CeGaT Center for Human Genetics Tuebingen
Classification: Likely benign. Last evaluated: 2022-09-01. Review status: criteria provided, single submitter. Criteria: CeGaT Center For Human Genetics Tuebingen Variant Classification Criteria Version 2. Collection method: clinical testing. Allele origin: germline. Affected: yes. Observed: 1 variant allele.
Comment: FIG4: BP4, BP7